The following is an entry in ClinVar:

ClinVar aggregate classification (germline): Uncertain significance (1 of 4 stars; one submission).

Conditions:
Early-infantile DEE. Also called: Early infantile epileptic encephalopathy; Ohtahara syndrome; Early infantile epileptic encephalopathy with suppression bursts. Identifiers: Orphanet 1934, MedGen C0393706, MONDO:0800491.

gnomAD v4.1: 16 of 1,613,800 alleles (0.00099%); highest among the groups gnomAD compares: Admixed American, 0.0017%; no homozygotes.

Submission:

Labcorp Genetics (formerly Invitae), Labcorp
Classification: Uncertain significance for Early-infantile DEE. Last evaluated: 2024-10-16. Review status: criteria provided, single submitter. Criteria: Invitae Variant Classification Sherloc (09022015). Collection method: clinical testing. Allele origin: germline.
Comment: This sequence change replaces methionine, which is neutral and non-polar, with leucine, which is neutral and non-polar, at codon 484 of the KCNH5 protein (p.Met484Leu). This variant is present in population databases (no rsID available, gnomAD 0.007%). This variant has not been reported in the literature in individuals affected with KCNH5-related conditions. An algorithm developed to predict the effect of missense changes on protein structure and function (PolyPhen-2) suggests that this variant is likely to be tolerated. In summary, the available evidence is currently insufficient to determine the role of this variant in disease. Therefore, it has been classified as a Variant of Uncertain Significance.

NM_139318.5(KCNH5):c.1450A>T (p.Met484Leu)

Gene: KCNH5 (potassium voltage-gated channel subfamily H member 5; minus strand). Cytogenetic location: 14q23.2.
Variant type: single nucleotide variant.
Coding change: c.1450A>T on transcript NM_139318.5 (MANE Select); coding-DNA position 1450, A replaced by T.
Protein change: p.Met484Leu; replaces methionine 484 with leucine.
Molecular consequence: missense variant.
Genome position (GRCh38, 1-based): chr14:62,849,772, T>A on the plus strand (A>T on the coding strand, the complement: KCNH5 is on the minus strand). VCF-style: chr14-62849772-T-A. GRCh37 (hg19) VCF-style: chr14-63316490-T-A.
Other names: c.1450A>T, p.Met484Leu (NM_172375.3); short protein forms M484L.
Identifiers: ClinVar variation 3608955 (VCV003608955.2).